The following is an entry in ClinVar:

ClinVar aggregate classification (germline): Conflicting classifications of pathogenicity. Review status: criteria provided, conflicting classifications (1 of 4 stars). 9 submissions from 9 submitters: Uncertain significance (6); Likely benign (1). 2 of the submissions do not count toward it. Last evaluated 2025-12-08.

Conditions:
ATM-related disorder. Also called: ATM-related disorders; ATM-related condition.
Familial cancer of breast. Also called: hereditary breast carcinoma; BREAST CANCER, FAMILIAL; Hereditary breast cancer. Identifiers: Orphanet 227535, MedGen C0346153, MONDO:0016419, OMIM 114480. Disease mechanism: loss of function.
Ataxia-telangiectasia syndrome (AT). Also called: ATAXIA-TELANGIECTASIA, COMPLEMENTATION GROUP A; ATAXIA-TELANGIECTASIA, FRESNO VARIANT; Ataxia-telangiectasia; Ataxia-telangiectasia, complementation group E; Cerebello-oculocutaneous telangiectasia; Immunodeficiency with ataxia telangiectasia. Identifiers: Orphanet 100, MedGen C0004135, MONDO:0008840, OMIM 208900.
Hereditary cancer-predisposing syndrome. Also called: Hereditary Cancer Syndrome; Tumor predisposition; Neoplastic Syndromes, Hereditary; Hereditary neoplastic syndrome. Identifiers: Orphanet 140162, MedGen C0027672, MeSH D009386, MONDO:0015356.

Allele frequency attached by ClinVar (database versions not stated): gnomAD exomes below 0.00001 and 0.00001; TOPMed 0.00001; gnomAD 0.00002; ExAC 0.00001.
gnomAD v4.1: 6 of 1,613,990 alleles (0.00037%); highest among the groups gnomAD compares: Admixed American, 0.0017%; no homozygotes.

Submissions (9):

Labcorp Genetics (formerly Invitae), Labcorp
Classification: Uncertain significance for Ataxia-telangiectasia syndrome. Last evaluated: 2025-12-08. Review status: criteria provided, single submitter. Criteria: Invitae Variant Classification Sherloc (09022015). Collection method: clinical testing. Allele origin: germline.
Comment: This sequence change replaces isoleucine, which is neutral and non-polar, with valine, which is neutral and non-polar, at codon 2275 of the ATM protein (p.Ile2275Val). This variant is present in population databases (rs587779857, gnomAD 0.0009%). This variant has not been reported in the literature in individuals affected with ATM-related conditions. ClinVar contains an entry for this variant (Variation ID: 181885). Invitae Evidence Modeling of protein sequence and biophysical properties (such as structural, functional, and spatial information, amino acid conservation, physicochemical variation, residue mobility, and thermodynamic stability) indicates that this missense variant is not expected to disrupt ATM protein function with a negative predictive value of 95%. In summary, the available evidence is currently insufficient to determine the role of this variant in disease. Therefore, it has been classified as a Variant of Uncertain Significance.

Ambry Genetics
Classification: Likely benign for Hereditary cancer-predisposing syndrome. Last evaluated: 2024-07-23. Review status: criteria provided, single submitter. Criteria: Ambry Variant Classification Scheme 2023. Collection method: clinical testing. Allele origin: germline.

Color Diagnostics, LLC DBA Color Health
Classification: Uncertain significance for Hereditary cancer-predisposing syndrome. Last evaluated: 2024-03-27. Review status: criteria provided, single submitter. Criteria: ACMG Guidelines, 2015. Collection method: clinical testing. Allele origin: germline.
Comment: This missense variant replaces isoleucine with valine at codon 2275 of the ATM protein. Computational prediction suggests that this variant may not impact protein structure and function. To our knowledge, functional studies have not been reported for this variant. In an international breast cancer case-control meta-analysis, this variant was detected in 2/60466 cases and 2/53461 unaffected controls (PMID: 33471991). This variant has been identified in 1/251100 chromosomes in the general population by the Genome Aggregation Database (gnomAD). The available evidence is insufficient to determine the role of this variant in disease conclusively. Therefore, this variant is classified as a Variant of Uncertain Significance.

Baylor Genetics
Classification: Uncertain significance for Familial cancer of breast. Last evaluated: 2023-09-28. Review status: criteria provided, single submitter. Criteria: ACMG Guidelines, 2015. Collection method: clinical testing. Allele origin: unknown.

Women's Health and Genetics/Laboratory Corporation of America, LabCorp
Classification: Uncertain significance. Last evaluated: 2023-03-17. Review status: criteria provided, single submitter. Criteria: LabCorp Variant Classification Summary - May 2015. Collection method: clinical testing. Allele origin: germline.
Comment: Variant summary: ATM c.6823A>G (p.Ile2275Val) results in a conservative amino acid change located in the PIK-related kinase, FAT domain (IPR003151) of the encoded protein sequence. Five of five in-silico tools predict a benign effect of the variant on protein function. The variant allele was found at a frequency of 4e-06 in 251100 control chromosomes. The available data on variant occurrences in the general population are insufficient to allow any conclusion about variant significance. To our knowledge, no occurrence of c.6823A>G in individuals affected with Ataxia-Telangiectasia and no experimental evidence demonstrating its impact on protein function have been reported. Six clinical diagnostic laboratories have submitted clinical-significance assessments for this variant to ClinVar after 2014 and classified the variant as uncertain significance. Based on the evidence outlined above, the variant was classified as uncertain significance.

GeneDx
Classification: Uncertain significance. Last evaluated: 2022-12-13. Review status: criteria provided, single submitter. Criteria: GeneDx Variant Classification Process June 2021. Collection method: clinical testing. Allele origin: germline. Affected: yes.
Comment: Observed in cases as well as controls in a breast cancer case-control study (Dorling et al., 2021); In silico analysis supports that this missense variant does not alter protein structure/function; Not observed at significant frequency in large population cohorts (gnomAD); This variant is associated with the following publications: (PMID: 23532176, 33471991)

Fulgent Genetics
Classification: Uncertain significance for Familial cancer of breast; Ataxia-telangiectasia syndrome. Last evaluated: 2021-10-13. Review status: criteria provided, single submitter. Criteria: ACMG Guidelines, 2015. Collection method: clinical testing. Allele origin: unknown.

PreventionGenetics, part of Exact Sciences
Classification: Uncertain significance for ATM-related condition. Last evaluated: 2024-06-06. Review status: no assertion criteria provided. Collection method: clinical testing. Allele origin: germline. Not counted in ClinVar's aggregate classification.
Comment: The ATM c.6823A>G variant is predicted to result in the amino acid substitution p.Ile2275Val. This variant has been reported both in individuals with breast cancer and in controls in a large cohort study of women with breast cancer and controls (Breast Cancer Association Consortium et al 2021. PubMed ID: 33471991). This variant is reported in 0.00088% of alleles in individuals of European (Non-Finnish) descent in gnomAD. This variant is interpreted as a variant of uncertain significance in ClinVar. At this time, the clinical significance of this variant is uncertain due to the absence of conclusive functional and genetic evidence.

Natera, Inc.
Classification: Uncertain significance for Ataxia-telangiectasia. Last evaluated: 2020-09-16. Review status: no assertion criteria provided. Collection method: clinical testing. Allele origin: germline. Not counted in ClinVar's aggregate classification.

Literature cited by the submitters: PubMed 33471991 (cited by Ambry Genetics and Color Diagnostics, LLC DBA Color Health); PubMed 28652578 (cited by Women's Health and Genetics/Laboratory Corporation of America, LabCorp).

NM_000051.4(ATM):c.6823A>G (p.Ile2275Val)

Genes: ATM (ATM serine/threonine kinase; plus strand), C11orf65 (chromosome 11 open reading frame 65; minus strand). Cytogenetic location: 11q22.3.
Variant type: single nucleotide variant.
Coding change: c.6823A>G on transcript NM_000051.4 (MANE Select); coding-DNA position 6823, A replaced by G.
Protein change: p.Ile2275Val; replaces isoleucine 2275 with valine.
Molecular consequence: missense variant. On other transcripts: intron variant (2).
Genome position (GRCh38, 1-based): chr11:108,326,073, A>G. VCF-style: chr11-108326073-A-G. GRCh37 (hg19) VCF-style: chr11-108196800-A-G.
Other names: p.I2275V:ATA>GTA; c.6823A>G, p.Ile2275Val (NM_001351834.2); c.641-17002T>C (NM_001330368.2); c.*38+9147T>C (NM_001351110.2); short protein forms I2275V.
Identifiers: ClinVar variation 181885 (VCV000181885.25), dbSNP rs587779857, ClinGen allele CA298040.